The following is an entry in ClinVar:

ClinVar aggregate classification (germline): Pathogenic (1 of 4 stars; one submission).

Conditions:
Cornelia de Lange syndrome 1 (CDLS1). Also called: Brachmann de Lange syndrome; NIPBL-Related Cornelia de Lange Syndrome; TYPUS DEGENERATIVUS AMSTELODAMENSIS. Identifiers: Orphanet 199, MedGen C4551851, MONDO:0007387, OMIM 122470.

Submission:

Labcorp Genetics (formerly Invitae), Labcorp
Classification: Pathogenic for Cornelia de Lange syndrome 1. Last evaluated: 2023-05-04. Review status: criteria provided, single submitter. Criteria: Invitae Variant Classification Sherloc (09022015). Collection method: clinical testing. Allele origin: unknown.
Comment: This variant has been observed in individual(s) with clinical features of Cornelia de Lange syndrome (Invitae). This variant results in the deletion of exon 11 and part of exon 12 (c.3122-3019_3400del) of the NIPBL gene. It is expected to disrupt RNA splicing. Variants that disrupt the donor or acceptor splice site typically lead to a loss of protein function (PMID: 16199547), and loss-of-function variants in NIPBL are known to be pathogenic (PMID: 15318302, 19763162, 23505322, 29995837). For these reasons, this variant has been classified as Pathogenic.

Literature cited by the submitters: PubMed 16199547; PubMed 15318302; PubMed 19763162; PubMed 23505322; PubMed 29995837.

NC_000005.9:g.(?_36992705)_(37000570_?)del

Gene: NIPBL (NIPBL cohesin loading factor; plus strand). Cytogenetic location: 5p13.2.
Variant type: Deletion.
Identifiers: ClinVar variation 3246419 (VCV003246419.1).